The following is an entry in ClinVar:

ClinVar aggregate classification (germline): Uncertain significance (1 of 4 stars; one submission).

Submission:

GeneDx
Classification: Uncertain significance. Last evaluated: 2017-07-03. Review status: criteria provided, single submitter. Criteria: GeneDx Variant Classification (06012015). Collection method: clinical testing. Allele origin: germline. Affected: yes.
Comment: A variant of uncertain significance has been identified in the COL6A2 gene. The c.1970-7_1981dup19 variant has not been published as a pathogenic variant, nor has it been reported as a benign variant to our knowledge. The c.1970-7_1981dup19 variant is not observed at a significant frequency in large population cohorts (Lek et al., 2016; 1000 Genomes Consortium et al., 2015; Exome Variant Server). This variant results in the duplication of 19 nucleotides at the intron 25/exon 26 boundary including the splice acceptor site. Several in-silico splice prediction models are inconsistent in their assessment as to whether or not the variant is damaging. In the absence of RNA/functional studies, the actual effect of this sequence change in this individual is unknown. However, variants in nearby residues (c.1970-9 G>A, c.1970-3 C>A) have been reported in the Human Gene Mutation Database in association with COL6A2-related disorders (Stenson et al., 2014). Therefore, based on the currently available information, it is unclear whether this variant is a pathogenic variant or a rare benign variant.

NM_001849.4(COL6A2):c.1970-7_1981dup

Gene: COL6A2 (collagen type VI alpha 2 chain; plus strand). Cytogenetic location: 21q22.3.
Variant type: Duplication.
Coding change: c.1970-7_1981dup on transcript NM_001849.4 (MANE Select); 7 bases into the intron before coding-DNA position 1970 through coding-DNA position 1981, 19 bases duplicated (CTTGCAGGGACGCGTGTGG).
Molecular consequence: splice acceptor variant.
Genome position (GRCh38, 1-based): chr21:46,125,778-46,125,796, CTTGCAGGGACGCGTGTGG duplicated; duplicating any 19 consecutive bases within chr21:46,125,776-46,125,796 gives the same sequence; the c. name uses the placement nearest the transcript's 3' end. VCF-style (leftmost placement, unchanged base first): chr21-46125775-C-CGGCTTGCAGGGACGCGTGT. GRCh37 (hg19) VCF-style: chr21-47545689-C-CGGCTTGCAGGGACGCGTGT.
Other names: c.1970-7_1981dupCTTGCAGGGACGCGTGTGG (NM_001849.3); c.1970-7_1981dup (NM_058175.3, NM_058174.3).
Identifiers: ClinVar variation 450148 (VCV000450148.1), dbSNP rs754514524, ClinGen allele CA10072395.